The following is an entry in ClinVar:

ClinVar aggregate classification (germline): Pathogenic/Likely pathogenic. Review status: criteria provided, multiple submitters, no conflicts (2 of 4 stars). 3 submissions from 3 submitters: Pathogenic (1); Likely pathogenic (2). Last evaluated 2025-11-26.

Conditions:
Retinitis pigmentosa 39 (RP39). Identifiers: Orphanet 791, MedGen C3151138, MONDO:0013436, OMIM 613809.
Usher syndrome type 2A. Also called: RETINAL DISEASE IN USHER SYNDROME TYPE IIA, MODIFIER OF; USHER SYNDROME, TYPE IIA. Identifiers: Orphanet 231178, Orphanet 886, MedGen C1848634, MONDO:0010169, OMIM 276901.

Allele frequency attached by ClinVar (database versions not stated): TOPMed 0.00001.

Submissions (3):

Natera, Inc.
Classification: Likely pathogenic for Usher syndrome type 2A. Last evaluated: 2025-11-26. Review status: criteria provided, single submitter. Criteria: Natera Variant Classification Schema (03/2026). Collection method: clinical testing. Allele origin: germline.
Comment: The c.2649delG variant in USH2A is a frameshift variant predicted to shift the reading frame beginning at codon 883 and leads to a stop codon 7 codons downstream. This variant is expected to result in nonsense mediated decay, truncation, or a dysfunctional protein product. This variant is rare in the general population with a frequency below the threshold expected for the associated phenotype(s). Given the available evidence, this variant is classified as Likely Pathogenic.

Labcorp Genetics (formerly Invitae), Labcorp
Classification: Pathogenic. Last evaluated: 2024-02-28. Review status: criteria provided, single submitter. Criteria: Invitae Variant Classification Sherloc (09022015). Collection method: clinical testing. Allele origin: germline.
Comment: This sequence change creates a premature translational stop signal (p.Glu883Aspfs*7) in the USH2A gene. It is expected to result in an absent or disrupted protein product. Loss-of-function variants in USH2A are known to be pathogenic (PMID: 10729113, 10909849, 20507924, 25649381). This variant is not present in population databases (gnomAD no frequency). This variant has not been reported in the literature in individuals affected with USH2A-related conditions. ClinVar contains an entry for this variant (Variation ID: 1070807). For these reasons, this variant has been classified as Pathogenic.

Baylor Genetics
Classification: Likely pathogenic for Retinitis pigmentosa 39. Last evaluated: 2023-01-08. Review status: criteria provided, single submitter. Criteria: ACMG Guidelines, 2015. Collection method: clinical testing. Allele origin: unknown.

Literature cited by the submitters: PubMed 10729113 (cited by Labcorp Genetics (formerly Invitae), Labcorp); PubMed 10909849 (cited by Labcorp Genetics (formerly Invitae), Labcorp); PubMed 20507924 (cited by Labcorp Genetics (formerly Invitae), Labcorp); PubMed 25649381 (cited by Labcorp Genetics (formerly Invitae), Labcorp).

NM_206933.4(USH2A):c.2649del (p.Glu883fs)

Genes: USH2A (usherin; minus strand), LOC122152296 (Sharpr-MPRA regulatory region 8762; plus strand). Cytogenetic location: 1q41.
Variant type: Deletion.
Coding change: c.2649del on transcript NM_206933.4 (MANE Select); coding-DNA position 2649, one base deleted (G; older notation c.2649delG).
Protein change: p.Glu883fs; shifts the reading frame from glutamic acid 883.
Molecular consequence: frameshift variant.
Genome position (GRCh38, 1-based): chr1:216,246,745, C deleted on the plus strand (G on the coding strand, the reverse complement: USH2A is on the minus strand). VCF-style (leftmost placement, unchanged base first): chr1-216246744-GC-G. GRCh37 (hg19) VCF-style: chr1-216420086-GC-G.
Other names: c.2649del, p.Glu883fs (NM_007123.6); c.2649delG (NM_206933.2); short protein forms E883fs.
Identifiers: ClinVar variation 1070807 (VCV001070807.9), dbSNP rs2036054669, ClinGen allele CA1220619106.
Genomic context (GRCh38, chr1:216,246,744, plus strand): 5'-AATCACACTCACACATCTGGCAGTGTTGAAAATTGTCAATGGTCAAATTGTACCTGTGAG[GC>G]TCACACTGATTACAGCGAAGACCTGTTACCCCTAATTTGCAAGGACATTGTCCTGTTGAT-3'